The following is an entry in ClinVar:

NM_024928.5(STN1):c.592G>A (p.Ala198Thr)

Gene: STN1 (STN1 subunit of CST complex; minus strand). Cytogenetic location: 10q24.33.
Variant type: single nucleotide variant.
Coding change: c.592G>A on transcript NM_024928.5 (MANE Select); coding-DNA position 592, G replaced by A.
Protein change: p.Ala198Thr; replaces alanine 198 with threonine.
Molecular consequence: missense variant.
Genome position (GRCh38, 1-based): chr10:103,897,709, C>T on the plus strand (G>A on the coding strand, the complement: STN1 is on the minus strand). VCF-style: chr10-103897709-C-T. GRCh37 (hg19) VCF-style: chr10-105657467-C-T.
Other names: c.592G>A (NM_024928.4); short protein forms A198T.
Identifiers: ClinVar variation 2083296 (VCV002083296.4), dbSNP rs139991163, ClinGen allele CA5676561.

ClinVar aggregate classification (germline): Conflicting classifications of pathogenicity. Review status: criteria provided, conflicting classifications (1 of 4 stars). 3 submissions from 3 submitters: Uncertain significance (1); Likely benign (2). Last evaluated 2023-12-21.

Conditions:
Inborn genetic diseases. Identifiers: MedGen C0950123, MeSH D030342.

Allele frequency attached by ClinVar (database versions not stated): TOPMed 0.00005; ESP Exome Variant Server 0.00008.
gnomAD v4.1: 129 of 1,613,960 alleles (0.008%); highest among the groups gnomAD compares: Non-Finnish European, 0.01%; no homozygotes.

Submissions (3):

Blueprint Genetics
Classification: Likely benign. Last evaluated: 2023-12-21. Review status: criteria provided, single submitter. Criteria: ACMG Guidelines, 2015. Collection method: clinical testing. Allele origin: germline.

Ambry Genetics
Classification: Likely benign for Inborn genetic diseases. Last evaluated: 2023-02-14. Review status: criteria provided, single submitter. Criteria: Ambry Variant Classification Scheme 2023. Collection method: clinical testing. Allele origin: germline.

Labcorp Genetics (formerly Invitae), Labcorp
Classification: Uncertain significance. Last evaluated: 2022-05-10. Review status: criteria provided, single submitter. Criteria: Invitae Variant Classification Sherloc (09022015). Collection method: clinical testing. Allele origin: germline.
Comment: This sequence change replaces alanine, which is neutral and non-polar, with threonine, which is neutral and polar, at codon 198 of the STN1 protein (p.Ala198Thr). This variant is present in population databases (rs139991163, gnomAD 0.01%). This variant has not been reported in the literature in individuals affected with STN1-related conditions. Algorithms developed to predict the effect of missense changes on protein structure and function output the following: SIFT: "Tolerated"; PolyPhen-2: "Benign"; Align-GVGD: "Class C0". The threonine amino acid residue is found in multiple mammalian species, which suggests that this missense change does not adversely affect protein function. In summary, the available evidence is currently insufficient to determine the role of this variant in disease. Therefore, it has been classified as a Variant of Uncertain Significance.